The following is an entry in ClinVar:

NM_000890.5(KCNJ5):c.591G>A (p.Ala197=)

Gene: KCNJ5 (potassium inwardly rectifying channel subfamily J member 5; plus strand). Cytogenetic location: 11q24.3.
Variant type: single nucleotide variant.
Coding change: c.591G>A on transcript NM_000890.5 (MANE Select); coding-DNA position 591, G replaced by A.
Protein change: p.Ala197=; no amino-acid change (alanine 197 retained).
Molecular consequence: synonymous variant.
Genome position (GRCh38, 1-based): chr11:128,911,864, G>A. VCF-style: chr11-128911864-G-A. GRCh37 (hg19) VCF-style: chr11-128781759-G-A.
Other names: c.591G>A (LRG_333t1); c.591G>A, p.Ala197= (NM_001354169.2).
Identifiers: ClinVar variation 303629 (VCV000303629.18), dbSNP rs750048771, ClinGen allele CA6357899.

ClinVar aggregate classification (germline): Benign/Likely benign. Review status: criteria provided, multiple submitters, no conflicts (2 of 4 stars). 3 submissions from 3 submitters: Benign (1); Likely benign (2). Last evaluated 2025-12-27.

Conditions:
Long QT syndrome (LQTS). Identifiers: MedGen C0023976, MeSH D008133, MONDO:0002442. Disease mechanism: loss of function. Inheritance: Various modes of inheritance.
Familial hyperaldosteronism type III. Also called: FH III; Familial hyperaldosteronism type 3. Identifiers: Orphanet 251274, MedGen C3838758, MONDO:0013359, OMIM 613677.
Cardiovascular phenotype. Identifiers: MedGen CN230736.

Allele frequency attached by ClinVar (database versions not stated): gnomAD 0.00003 and 0.00002; gnomAD exomes 0.00004 and 0.00002; ExAC 0.00002; TOPMed 0.00009.
gnomAD v4.1: 38 of 1,612,780 alleles (0.0024%); highest among the groups gnomAD compares: Admixed American, 0.018%; no homozygotes.

Submissions (3):

Labcorp Genetics (formerly Invitae), Labcorp
Classification: Likely benign for Long QT syndrome. Last evaluated: 2025-12-27. Review status: criteria provided, single submitter. Criteria: Invitae Variant Classification Sherloc (09022015). Collection method: clinical testing. Allele origin: germline.

Ambry Genetics
Classification: Likely benign for Cardiovascular phenotype. Last evaluated: 2021-08-18. Review status: criteria provided, single submitter. Criteria: Ambry Variant Classification Scheme 2023. Collection method: clinical testing. Allele origin: germline.

Illumina Laboratory Services, Illumina
Classification: Benign for Familial hyperaldosteronism type III. Last evaluated: 2018-01-13. Review status: criteria provided, single submitter. Criteria: ICSL Variant Classification Criteria 13 December 2019. Collection method: clinical testing. Allele origin: germline.
Comment: This variant was observed in the ICSL laboratory as part of a predisposition screen in an ostensibly healthy population. It had not been previously curated by ICSL or reported in the Human Gene Mutation Database (HGMD: prior to June 1st, 2018), and was therefore a candidate for classification through an automated scoring system. Utilizing variant allele frequency, disease prevalence and penetrance estimates, and inheritance mode, an automated score was calculated to assess if this variant is too frequent to cause the disease. Based on the score and internal cut-off values, a variant classified as benign is not then subjected to further curation. The score for this variant resulted in a classification of benign for this disease.